The following is an entry in ClinVar:

NM_000090.4(COL3A1):c.1508A>T (p.Lys503Met)

Gene: COL3A1 (collagen type III alpha 1 chain; plus strand). Cytogenetic location: 2q32.2.
Variant type: single nucleotide variant.
Coding change: c.1508A>T on transcript NM_000090.4 (MANE Select); coding-DNA position 1508, A replaced by T.
Protein change: p.Lys503Met; replaces lysine 503 with methionine.
Molecular consequence: missense variant.
Genome position (GRCh38, 1-based): chr2:188,995,098, A>T. VCF-style: chr2-188995098-A-T. GRCh37 (hg19) VCF-style: chr2-189859824-A-T.
Other names: short protein forms K503M.
Identifiers: ClinVar variation 2775108 (VCV002775108.2), dbSNP rs2469131429, ClinGen allele CA349852071.
Genomic context (GRCh38, chr2:188,995,098, plus strand): 5'-ATTTTCAGGGTGCCCCTGGGTTCCGAGGACCTGCTGGACCAAATGGCATCCCAGGAGAAA[A>T]GGTAGATAACTTTAGTTTCTATGTTCCTAAATGCTAGCACCACAAATGGGCAGTTCTTGT-3'
Protein context (NP_000081.2, residues 493-513): PAGPNGIPGE[Lys503Met]GPAGERGAPG

ClinVar aggregate classification (germline): Uncertain significance (1 of 4 stars; one submission).

Conditions:
Familial thoracic aortic aneurysm and aortic dissection (TAAD). Also called: Thoracic aortic aneurysms and dissections. Identifiers: Orphanet 91387, MedGen C4707243, MONDO:0019625.

Submission:

Color Diagnostics, LLC DBA Color Health
Classification: Uncertain significance for Familial thoracic aortic aneurysm and aortic dissection. Last evaluated: 2022-11-02. Review status: criteria provided, single submitter. Criteria: ACMG Guidelines, 2015. Collection method: clinical testing. Allele origin: germline.
Comment: This missense variant replaces lysine with methionine at codon 503 of the COL3A1 protein. Computational prediction is inconclusive regarding the impact of this variant on protein structure and function (internally defined REVEL score threshold 0.5 < inconclusive < 0.7, PMID: 27666373). To our knowledge, functional studies have not been reported for this variant. This variant has not been reported in individuals affected with cardiovascular disorders in the literature. This variant has not been identified in the general population by the Genome Aggregation Database (gnomAD). The available evidence is insufficient to determine the role of this variant in disease conclusively. Therefore, this variant is classified as a Variant of Uncertain Significance.